The following is an entry in ClinVar:

Conditions:
Breast-ovarian cancer, familial, susceptibility to, 1 (BROVCA1). Also called: BRCA1 Hereditary Breast and Ovarian Cancer; OVARIAN CANCER, SUSCEPTIBILITY TO. Identifiers: Orphanet 145, MedGen C2676676, MONDO:0011450, OMIM 604370. Disease mechanism: loss of function.

Submission:

Brotman Baty Institute, University of Washington
No classification provided (evidence only). Condition: Breast-ovarian cancer, familial 1. Review status: no classification provided. Collection method: in vitro. Allele origin: not applicable. Functional consequence: functionally_normal.
ClinVar note: "not provided" was previously submitted as the classification for the variant. However, the classification appeared to be based only on an observation of functional data so it was converted to no classification on 2025-07-30.

NM_007294.4(BRCA1):c.5371G>C (p.Val1791Leu)

Gene: BRCA1 (BRCA1 DNA repair associated; minus strand). Cytogenetic location: 17q21.31.
Variant type: single nucleotide variant.
Coding change: c.5371G>C on transcript NM_007294.4 (MANE Select); coding-DNA position 5371, G replaced by C.
Protein change: p.Val1791Leu; replaces valine 1791 with leucine.
Molecular consequence: missense variant. On other transcripts: non-coding transcript variant (1), intron variant (1).
Genome position (GRCh38, 1-based): chr17:43,049,156, C>G on the plus strand (G>C on the coding strand, the complement: BRCA1 is on the minus strand). VCF-style: chr17-43049156-C-G. GRCh37 (hg19) VCF-style: chr17-41201173-C-G.
Other names: c.5032G>C, p.Val1678Leu (NM_001407957.1, NM_001407958.1, NM_001407956.1); c.2128G>C, p.Val710Leu (NM_001407970.1, NM_001407971.1); c.2125G>C, p.Val709Leu (NM_001407972.1); c.2062G>C, p.Val688Leu (NM_001407973.1, NM_001407974.1, NM_001407975.1 and 3 more transcripts); c.2059G>C, p.Val687Leu (NM_001407992.1, NM_001407993.1, NM_007298.4 and 11 more transcripts); c.2056G>C, p.Val686Leu (NM_001408392.1, NM_001408396.1, NM_001408397.1 and 7 more transcripts); c.1981G>C, p.Val661Leu (NM_001408413.1, NM_001408414.1, NM_001408415.1 and 2 more transcripts); c.1945G>C, p.Val649Leu (NM_001408418.1, NM_001408419.1, NM_001408420.1); and 73 more; short protein forms V687L, V1791L, V1744L, V1812L, V1637L, V1663L, V1720L, V1723L.
Identifiers: ClinVar variation 865671 (VCV000865671.3), dbSNP rs145758886, ClinGen allele CA10590728.